The following is an entry in ClinVar:

ClinVar aggregate classification (germline): Likely pathogenic (1 of 4 stars; one submission).

Conditions:
Lysosomal acid lipase deficiency. Also called: Acid cholesteryl ester hydrolase deficiency, type 2. Identifiers: Orphanet 275761, MedGen C5574740, MONDO:0800449, MONDO:0010204.

gnomAD v4.1: 1 of 1,614,082 alleles (0.000062%); highest among the groups gnomAD compares: African/African-American, 0.0013%; no homozygotes.

Submission:

Natera, Inc.
Classification: Likely pathogenic for Lysosomal acid lipase deficiency. Last evaluated: 2025-12-30. Review status: criteria provided, single submitter. Criteria: Natera Variant Classification Schema (03/2026). Collection method: clinical testing. Allele origin: germline.
Comment: The c.1075C>T variant in LIPA is a nonsense variant predicted to introduce a stop codon at amino acid 359. This variant is expected to result in nonsense mediated decay, truncation, or a dysfunctional protein product. This variant is rare in the general population with a frequency below the threshold expected for the associated phenotype(s). Given the available evidence, this variant is classified as Likely Pathogenic.

NM_000235.4(LIPA):c.1075C>T (p.Gln359Ter)

Gene: LIPA (lipase A, lysosomal acid type; minus strand). Cytogenetic location: 10q23.31.
Variant type: single nucleotide variant.
Coding change: c.1075C>T on transcript NM_000235.4 (MANE Select); coding-DNA position 1075, C replaced by T.
Protein change: p.Gln359Ter; replaces glutamine 359 with a stop codon.
Molecular consequence: nonsense.
Genome position (GRCh38, 1-based): chr10:89,214,953, G>A on the plus strand (C>T on the coding strand, the complement: LIPA is on the minus strand). VCF-style: chr10-89214953-G-A. GRCh37 (hg19) VCF-style: chr10-90974710-G-A.
Other names: c.1075C>T, p.Gln359Ter (NM_001127605.3, NM_001440818.1, NM_001440819.1 and 16 more transcripts); c.727C>T, p.Gln243Ter (NM_001288979.2); c.1207C>T, p.Gln403Ter (NM_001440836.1); c.1096C>T, p.Gln366Ter (NM_001440837.1); c.1090C>T, p.Gln364Ter (NM_001440838.1); c.907C>T, p.Gln303Ter (NM_001440839.1); short protein forms Q243*, Q303*, Q359*, Q364*, Q366*, Q403*.
Identifiers: ClinVar variation 4817953 (VCV004817953.1).